The following is an entry in ClinVar:

ClinVar aggregate classification (germline): Uncertain significance (1 of 4 stars; one submission).

Conditions:
Primary immunodeficiency with post-measles-mumps-rubella vaccine viral infection. Also called: Immunodeficiency 44. Identifiers: Orphanet 431166, MedGen C4225260, MONDO:0014715, OMIM 616636.

Submission:

Labcorp Genetics (formerly Invitae), Labcorp
Classification: Uncertain significance for Primary immunodeficiency with post-measles-mumps-rubella vaccine viral infection. Last evaluated: 2023-05-18. Review status: criteria provided, single submitter. Criteria: Invitae Variant Classification Sherloc (09022015). Collection method: clinical testing. Allele origin: germline.
Comment: In summary, the available evidence is currently insufficient to determine the role of this variant in disease. Therefore, it has been classified as a Variant of Uncertain Significance. Advanced modeling of protein sequence and biophysical properties (such as structural, functional, and spatial information, amino acid conservation, physicochemical variation, residue mobility, and thermodynamic stability) performed at Invitae indicates that this missense variant is not expected to disrupt STAT2 protein function. This variant has not been reported in the literature in individuals affected with STAT2-related conditions. This sequence change replaces aspartic acid, which is acidic and polar, with alanine, which is neutral and non-polar, at codon 252 of the STAT2 protein (p.Asp252Ala). This variant is not present in population databases (gnomAD no frequency).

NM_005419.4(STAT2):c.755A>C (p.Asp252Ala)

Gene: STAT2 (signal transducer and activator of transcription 2; minus strand). Cytogenetic location: 12q13.3.
Variant type: single nucleotide variant.
Coding change: c.755A>C on transcript NM_005419.4 (MANE Select); coding-DNA position 755, A replaced by C.
Protein change: p.Asp252Ala; replaces aspartic acid 252 with alanine.
Molecular consequence: missense variant.
Genome position (GRCh38, 1-based): chr12:56,354,493, T>G on the plus strand (A>C on the coding strand, the complement: STAT2 is on the minus strand). VCF-style: chr12-56354493-T-G. GRCh37 (hg19) VCF-style: chr12-56748277-T-G.
Other names: c.743A>C, p.Asp248Ala (NM_001385110.1, NM_001385115.1, NM_198332.2); c.755A>C, p.Asp252Ala (NM_001385111.1, NM_001385113.1, NM_001385114.1); short protein forms D252A, D248A.
Identifiers: ClinVar variation 2850322 (VCV002850322.3), dbSNP rs2547264903, ClinGen allele CA385262583.